The following is an entry in ClinVar:

ClinVar aggregate classification (germline): Likely pathogenic (1 of 4 stars; one submission).

Conditions:
Cardiovascular phenotype. Identifiers: MedGen CN230736.

Submission:

Ambry Genetics
Classification: Likely pathogenic for Cardiovascular phenotype. Last evaluated: 2024-10-01. Review status: criteria provided, single submitter. Criteria: Ambry Variant Classification Scheme 2023. Collection method: clinical testing. Allele origin: germline.
Comment: The c.38815delG variant, located in coding exon 141 of the TTN gene, results from a deletion of one nucleotide at nucleotide position 38815, causing a translational frameshift with a predicted alternate stop codon (p.A12939Lfs*18). This exon is located in the A-band region of the N2-B isoform of the titin protein and is constitutively expressed in TTN transcripts (percent spliced in or PSI 100%). This alteration is expected to result in loss of function by premature protein truncation or nonsense-mediated mRNA decay. While truncating variants in TTN are present in 1-3% of the general population, truncating variants in the A-band are the most common cause of dilated cardiomyopathy (DCM) (Herman DS et al. N. Engl. J. Med., 2012 Feb;366:619-28; Roberts AM et al. Sci Transl Med, 2015 Jan;7:270ra6). TTN truncating variants encoded in constitutive exons (PSI >90%) have been found to be significantly associated with DCM regardless of their position in titin (Schafer S et al. Nat. Genet., 2017 01;49:46-53). This variant is considered to be rare based on population cohorts in the Genome Aggregation Database (gnomAD). Based on the majority of available evidence to date, this variant is likely to be pathogenic.

NM_001267550.2(TTN):c.66010del (p.Ala22004fs)

Genes: TTN (titin; minus strand), TTN-AS1 (TTN antisense RNA 1; plus strand). Cytogenetic location: 2q31.2.
Variant type: Deletion.
Coding change: c.66010del on transcript NM_001267550.2 (MANE Select); coding-DNA position 66010, one base deleted (G; older notation c.66010delG).
Protein change: p.Ala22004fs; shifts the reading frame from alanine 22004.
Molecular consequence: frameshift variant.
Genome position (GRCh38, 1-based): chr2:178,582,446, C deleted on the plus strand (G on the coding strand, the reverse complement: TTN is on the minus strand); the first of 3 consecutive C bases (chr2:178,582,446-178,582,448); deleting any one gives the same sequence. VCF-style (leftmost placement, unchanged base first): chr2-178582445-GC-G. GRCh37 (hg19) VCF-style: chr2-179447172-GC-G.
Other names: c.61087del, p.Ala20363fs (NM_001256850.1); c.38815del, p.Ala12939fs (NM_003319.4); c.58306del, p.Ala19436fs (NM_133378.4); c.39190del, p.Ala13064fs (NM_133432.3); c.39391del, p.Ala13131fs (NM_133437.4); c.38815delG (NM_003319.4); short protein forms A20363fs, A13064fs, A13131fs, A12939fs, A19436fs, A22004fs.
Identifiers: ClinVar variation 3463784 (VCV003463784.1).